The following is an entry in ClinVar:

NM_001040108.2(MLH3):c.691A>C (p.Lys231Gln)

Gene: MLH3 (mutL homolog 3; minus strand). Cytogenetic location: 14q24.3.
Variant type: single nucleotide variant.
Coding change: c.691A>C on transcript NM_001040108.2 (MANE Select); coding-DNA position 691, A replaced by C.
Protein change: p.Lys231Gln; replaces lysine 231 with glutamine.
Molecular consequence: missense variant.
Genome position (GRCh38, 1-based): chr14:75,048,965, T>G on the plus strand (A>C on the coding strand, the complement: MLH3 is on the minus strand). VCF-style: chr14-75048965-T-G. GRCh37 (hg19) VCF-style: chr14-75515668-T-G.
Other names: c.691A>C, p.Lys231Gln (NM_014381.3); short protein forms K231Q.
Identifiers: ClinVar variation 220781 (VCV000220781.34), dbSNP rs28756981, ClinGen allele CA350582.

ClinVar aggregate classification (germline): Benign/Likely benign. Review status: criteria provided, multiple submitters, no conflicts (2 of 4 stars). 12 submissions from 11 submitters: Benign (7); Likely benign (2). 3 of the submissions do not count toward it. Last evaluated 2026-02-04.

Conditions:
Colorectal cancer, hereditary nonpolyposis, type 7. Identifiers: Orphanet 144, MedGen C1858380, MONDO:0013725, OMIM 614385.
Colorectal cancer. Also called: Colorectal cancer, somatic; Malignant Colorectal Neoplasm. Identifiers: MedGen C0346629, MONDO:0005575, OMIM 114500.
Endometrial carcinoma. Also called: Endometrial carcinoma, somatic. Identifiers: MedGen C0476089, MONDO:0002447, OMIM 608089, HP:0012114.

Allele frequency attached by ClinVar (database versions not stated): TOPMed 0.01204; gnomAD exomes 0.01209 and 0.01735; ExAC 0.01244; gnomAD 0.01278 and 0.01348; ESP Exome Variant Server 0.01408; 1000 Genomes Project 30x 0.00437; 1000 Genomes Project 0.00439.
gnomAD v4.1: 27,120 of 1,613,400 alleles (1.7%); highest among the groups gnomAD compares: Non-Finnish European, 2%; 289 homozygotes.

Submissions (12):

Labcorp Genetics (formerly Invitae), Labcorp
Classification: Benign for Colorectal cancer, hereditary nonpolyposis, type 7. Last evaluated: 2026-02-04. Review status: criteria provided, single submitter. Criteria: Invitae Variant Classification Sherloc (09022015). Collection method: clinical testing. Allele origin: germline.

Center for Genomic Medicine, Rigshospitalet, Copenhagen University Hospital
Classification: Benign. Last evaluated: 2025-03-04. Review status: criteria provided, single submitter. Criteria: ACMG Guidelines, 2015. Collection method: clinical testing. Allele origin: germline.

KCCC/NGS Laboratory, Kuwait Cancer Control Center
Classification: Benign for Endometrial carcinoma. Last evaluated: 2025-02-01. Review status: criteria provided, single submitter. Criteria: ACMG Guidelines, 2015. Collection method: clinical testing. Allele origin: germline. Affected: no.

ARUP Laboratories, Molecular Genetics and Genomics, ARUP Laboratories
Classification: Benign. Last evaluated: 2024-09-05. Review status: criteria provided, single submitter. Criteria: ARUP Molecular Germline Variant Investigation Process 2024. Collection method: clinical testing. Allele origin: germline.

KCCC/NGS Laboratory, Kuwait Cancer Control Center
Classification: Benign for Colorectal cancer, hereditary nonpolyposis, type 7. Last evaluated: 2023-07-07. Review status: criteria provided, single submitter. Criteria: ACMG Guidelines, 2015. Collection method: clinical testing. Allele origin: germline. Affected: yes.

Department of Pathology and Laboratory Medicine, Sinai Health System
Classification: Benign for Colorectal cancer; Endometrial carcinoma; Colorectal cancer, hereditary nonpolyposis, type 7. Last evaluated: 2021-05-04. Review status: criteria provided, single submitter. Criteria: ACMG Guidelines, 2015. Collection method: clinical testing. Allele origin: germline. Affected: yes.

Ambry Genetics
Classification: Benign. Last evaluated: 2020-07-30. Review status: criteria provided, single submitter. Criteria: Ambry Variant Classification Scheme 2023. Collection method: clinical testing. Allele origin: germline.

Illumina Laboratory Services, Illumina
Classification: Likely benign for Colorectal cancer, hereditary nonpolyposis, type 7. Last evaluated: 2018-01-12. Review status: criteria provided, single submitter. Criteria: ICSL Variant Classification Criteria 13 December 2019. Collection method: clinical testing. Allele origin: germline.
Comment: This variant was observed in the ICSL laboratory as part of a predisposition screen in an ostensibly healthy population. It had not been previously curated by ICSL or reported in the Human Gene Mutation Database (HGMD: prior to June 1st, 2018), and was therefore a candidate for classification through an automated scoring system. Utilizing variant allele frequency, disease prevalence and penetrance estimates, and inheritance mode, an automated score was calculated to assess if this variant is too frequent to cause the disease. Based on the score and internal cut-off values, a variant classified as likely benign is not then subjected to further curation. The score for this variant resulted in a classification of likely benign for this disease.

Breakthrough Genomics
Classification: Likely benign. Review status: criteria provided, single submitter. Criteria: ACMG Guidelines, 2015. Collection method: not provided. Allele origin: germline. Inheritance: Autosomal dominant inheritance. Affected: yes.

Clinical Genetics, Academic Medical Center
Classification: Benign. Review status: no assertion criteria provided. Collection method: clinical testing. Allele origin: germline. Affected: yes. Study: VKGL Data-share Consensus. Not counted in ClinVar's aggregate classification.

Laboratory of Diagnostic Genome Analysis, Leiden University Medical Center (LUMC)
Classification: Likely benign. Review status: no assertion criteria provided. Collection method: clinical testing. Allele origin: germline. Affected: yes. Study: VKGL Data-share Consensus. Not counted in ClinVar's aggregate classification.

Mayo Clinic Laboratories, Mayo Clinic
Classification: Benign. Review status: no assertion criteria provided. Collection method: clinical testing. Allele origin: unknown. Not counted in ClinVar's aggregate classification.